The following is an entry in ClinVar:

ClinVar aggregate classification (germline): Likely benign. Review status: criteria provided, multiple submitters, no conflicts (2 of 4 stars). 2 submissions from 2 submitters: Likely benign (2). Last evaluated 2025-10-26.

Conditions:
Developmental and epileptic encephalopathy, 12 (DEE12). Identifiers: MedGen C3150988, MONDO:0013389, OMIM 613722.

Allele frequency attached by ClinVar (database versions not stated): TOPMed 0.00001.
gnomAD v4.1: 3 of 1,606,704 alleles (0.00019%); highest among the groups gnomAD compares: Non-Finnish European, 0.00026%; no homozygotes.

Submissions (2):

Labcorp Genetics (formerly Invitae), Labcorp
Classification: Likely benign for Developmental and epileptic encephalopathy, 12. Last evaluated: 2025-10-26. Review status: criteria provided, single submitter. Criteria: Invitae Variant Classification Sherloc (09022015). Collection method: clinical testing. Allele origin: germline.

GeneDx
Classification: Likely benign. Last evaluated: 2015-12-30. Review status: criteria provided, single submitter. Criteria: GeneDx Variant Classification (06012015). Collection method: clinical testing. Allele origin: germline. Affected: yes.
Comment: This variant is considered likely benign or benign based on one or more of the following criteria: it is a conservative change, it occurs at a poorly conserved position in the protein, it is predicted to be benign by multiple in silico algorithms, and/or has population frequency not consistent with disease.

NM_007254.4(PNKP):c.936+13C>T

Gene: PNKP (polynucleotide kinase 3'-phosphatase; minus strand). Cytogenetic location: 19q13.33.
Variant type: single nucleotide variant.
Coding change: c.936+13C>T on transcript NM_007254.4 (MANE Select); 13 bases into the intron after coding-DNA position 936, C replaced by T.
Molecular consequence: intron variant.
Genome position (GRCh38, 1-based): chr19:49,862,525, G>A on the plus strand (C>T on the coding strand, the complement: PNKP is on the minus strand). VCF-style: chr19-49862525-G-A. GRCh37 (hg19) VCF-style: chr19-50365782-G-A.
Identifiers: ClinVar variation 379119 (VCV000379119.2), dbSNP rs962788282, ClinGen allele CA16608211.